The following is an entry in ClinVar:

NM_001127222.2(CACNA1A):c.258G>C (p.Val86=)

Gene: CACNA1A (calcium voltage-gated channel subunit alpha1 A; minus strand). Cytogenetic location: 19p13.13.
Variant type: single nucleotide variant.
Coding change: c.258G>C on transcript NM_001127222.2 (MANE Select); coding-DNA position 258, G replaced by C.
Protein change: p.Val86=; no amino-acid change (valine 86 retained).
Molecular consequence: synonymous variant.
Genome position (GRCh38, 1-based): chr19:13,505,967, C>G on the plus strand (G>C on the coding strand, the complement: CACNA1A is on the minus strand). VCF-style: chr19-13505967-C-G. GRCh37 (hg19) VCF-style: chr19-13616781-C-G.
Other names: c.258G>C, p.Val86= (NM_000068.4, NM_001127221.2, NM_001174080.2 and 1 more transcripts).
Identifiers: ClinVar variation 2935595 (VCV002935595.3), dbSNP rs2513708616, ClinGen allele CA505802608.
Genomic context (GRCh38, chr19:13,505,967, plus strand): 5'-TGCTGGGGTTCGGGCAAAAGGATATGGCCATTCGGTGATCTTTTTGGCGTATTTTCTCAC[C>G]ACGTTGTCTTCGCTGAAGAGGAAGAGAGACCGGTTAACCGTGAGGCAGTTCTGTCGGACG-3'
Protein context (NP_001120694.1, residues 76-96): RSLFLFSEDN[Val86=]VRKYAKKITE

ClinVar aggregate classification (germline): Uncertain significance (1 of 4 stars; one submission).

Conditions:
Episodic ataxia type 2 (EA2). Also called: CEREBELLAR ATAXIA, PAROXYSMAL, ACETAZOLAMIDE-RESPONSIVE; CEREBELLOPATHY, HEREDITARY PAROXYSMAL; EPISODIC ATAXIA, NYSTAGMUS-ASSOCIATED; ACETAZOLAMIDE-RESPONSIVE HEREDITARY PAROXYSMAL CEREBELLAR ATAXIA; ATAXIA, EPISODIC, WITH NYSTAGMUS; ATAXIA, FAMILIAL PAROXYSMAL. Identifiers: Orphanet 97, MedGen C1720416, MONDO:0007163, OMIM 108500.
Developmental and epileptic encephalopathy, 42 (DEE42A). Also called: Epileptic encephalopathy, early infantile, 42; DEVELOPMENTAL AND EPILEPTIC ENCEPHALOPATHY 42A; EPILEPTIC ENCEPHALOPATHY, EARLY INFANTILE, 42A. Identifiers: MedGen C4310716, MONDO:0014917, OMIM 617106.

Submission:

Labcorp Genetics (formerly Invitae), Labcorp
Classification: Uncertain significance for Developmental and epileptic encephalopathy, 42; Episodic ataxia type 2. Last evaluated: 2023-08-10. Review status: criteria provided, single submitter. Criteria: Invitae Variant Classification Sherloc (09022015). Collection method: clinical testing. Allele origin: germline.
Comment: This sequence change affects codon 86 of the CACNA1A mRNA. It is a 'silent' change, meaning that it does not change the encoded amino acid sequence of the CACNA1A protein. This variant is not present in population databases (gnomAD no frequency). This variant has not been reported in the literature in individuals affected with CACNA1A-related conditions. Algorithms developed to predict the effect of sequence changes on RNA splicing suggest that this variant may disrupt the consensus splice site. In summary, the available evidence is currently insufficient to determine the role of this variant in disease. Therefore, it has been classified as a Variant of Uncertain Significance.